The following is an entry in ClinVar:

NM_001492.6(GDF1):c.626G>A (p.Trp209Ter)

Genes: GDF1 (growth differentiation factor 1; minus strand), CERS1 (ceramide synthase 1; minus strand). Cytogenetic location: 19p13.11.
Variant type: single nucleotide variant.
Coding change: c.626G>A on transcript NM_001492.6 (MANE Select); coding-DNA position 626, G replaced by A.
Protein change: p.Trp209Ter; replaces tryptophan 209 with a stop codon.
Molecular consequence: nonsense. On other transcripts: 3 prime UTR variant (2).
Genome position (GRCh38, 1-based): chr19:18,869,090, C>T on the plus strand (G>A on the coding strand, the complement: GDF1 is on the minus strand). VCF-style: chr19-18869090-C-T. GRCh37 (hg19) VCF-style: chr19-18979899-C-T.
Other names: c.*1487G>A (NM_001387440.1); c.*895G>A (NM_021267.5); c.626G>A, p.Trp209Ter (NM_001387438.1); short protein forms W209*.
Identifiers: ClinVar variation 1453078 (VCV001453078.6), dbSNP rs1009289636, ClinGen allele CA306231729.
Genomic context (GRCh38, chr19:18,869,090, plus strand): 5'-CGCGCGCAGGCGGCAGGGGCCCGGGGGCGTAGCGCCAGCGCCAGGCGGAGGCTGCGCGGC[C>T]ATGAGGCGTTGCGAGCCCAAGCGGCGCCCAGCAGCTCCGCGCGCACTGGCGGCCCCAGGG-3'

ClinVar aggregate classification (germline): Pathogenic (1 of 4 stars; one submission).

Allele frequency attached by ClinVar (database versions not stated): gnomAD 0.00003; TOPMed 0.00003.

Submission:

Labcorp Genetics (formerly Invitae), Labcorp
Classification: Pathogenic. Last evaluated: 2022-02-12. Review status: criteria provided, single submitter. Criteria: Invitae Variant Classification Sherloc (09022015). Collection method: clinical testing. Allele origin: germline.
Comment: This variant is not present in population databases (gnomAD no frequency). For these reasons, this variant has been classified as Pathogenic. This variant disrupts a region of the GDF1 protein in which other variant(s) (p.Cys227*) have been determined to be pathogenic (PMID: 20413652; Invitae). This suggests that this is a clinically significant region of the protein, and that variants that disrupt it are likely to be disease-causing. Algorithms developed to predict the effect of sequence changes on RNA splicing suggest that this variant may create or strengthen a splice site. This premature translational stop signal has been observed in individual(s) with GDF1-related conditions (PMID: 33131162). This sequence change creates a premature translational stop signal (p.Trp209*) in the GDF1 gene. While this is not anticipated to result in nonsense mediated decay, it is expected to disrupt the last 164 amino acid(s) of the GDF1 protein.

Literature cited by the submitters: PubMed 20413652; PubMed 33131162.